The following is an entry in ClinVar:

ClinVar aggregate classification (germline): Pathogenic (1 of 4 stars; one submission).

Conditions:
Inborn genetic diseases. Identifiers: MedGen C0950123, MeSH D030342.
Ocular cystinosis. Also called: Non-Nephropathic Cystinosis; Non-Nephropathic (Ocular) Cystinosis. Identifiers: Orphanet 213, Orphanet 411641, MedGen C2931013, MONDO:0009064, OMIM 219750.
Juvenile nephropathic cystinosis. Also called: Intermediate Cystinosis; CYSTINOSIS, LATE-ONSET JUVENILE OR ADOLESCENT NEPHROPATHIC TYPE; Later-Onset (Juvenile) Cystinosis. Identifiers: Orphanet 213, Orphanet 411634, MedGen C0268626, MONDO:0009066, OMIM 219900.

Submission:

Labcorp Genetics (formerly Invitae), Labcorp
Classification: Pathogenic for Inborn genetic diseases; Ocular cystinosis; Juvenile nephropathic cystinosis. Last evaluated: 2023-05-30. Review status: criteria provided, single submitter. Criteria: Invitae Variant Classification Sherloc (09022015). Collection method: clinical testing. Allele origin: germline.
Comment: This sequence change affects an acceptor splice site in intron 3 of the CTNS gene. It is expected to disrupt RNA splicing. Variants that disrupt the donor or acceptor splice site typically lead to a loss of protein function (PMID: 16199547), and loss-of-function variants in CTNS are known to be pathogenic (PMID: 9537412, 27102039). This variant is not present in population databases (gnomAD no frequency). Disruption of this splice site has been observed in individual(s) with cystinosis (Invitae). ClinVar contains an entry for this variant (Variation ID: 651911). Algorithms developed to predict the effect of sequence changes on RNA splicing suggest that this variant may disrupt the consensus splice site. For these reasons, this variant has been classified as Pathogenic.

Literature cited by the submitters: PubMed 16199547; PubMed 9537412; PubMed 27102039.

NM_004937.3(CTNS):c.62-1G>A

Gene: CTNS (cystinosin, lysosomal cystine transporter; plus strand). Cytogenetic location: 17p13.2.
Variant type: single nucleotide variant.
Coding change: c.62-1G>A on transcript NM_004937.3 (MANE Select); the canonical splice acceptor site of the intron before coding-DNA position 62, G replaced by A.
Molecular consequence: splice acceptor variant. On other transcripts: intron variant (1).
Genome position (GRCh38, 1-based): chr17:3,647,443, G>A. VCF-style: chr17-3647443-G-A. GRCh37 (hg19) VCF-style: chr17-3550737-G-A.
Other names: c.62-1G>A (NM_001031681.3, NM_001374492.1); c.-295-1G>A (NM_001374493.1, NM_001374496.1); c.-217+7176G>A (NM_001374495.1); c.-380-1G>A (NM_001374494.1).
Identifiers: ClinVar variation 651911 (VCV000651911.9), dbSNP rs1597619719, ClinGen allele CA397686976.